The following is an entry in ClinVar:

NM_014991.6(WDFY3):c.2120A>C (p.Lys707Thr)

Genes: WDFY3 (WD repeat and FYVE domain containing 3; minus strand), WDFY3-AS1 (WDFY3 antisense RNA 1; plus strand). Cytogenetic location: 4q21.23.
Variant type: single nucleotide variant.
Coding change: c.2120A>C on transcript NM_014991.6 (MANE Select); coding-DNA position 2120, A replaced by C.
Protein change: p.Lys707Thr; replaces lysine 707 with threonine.
Molecular consequence: missense variant. On other transcripts: non-coding transcript variant (1).
Genome position (GRCh38, 1-based): chr4:84,810,112, T>G on the plus strand (A>C on the coding strand, the complement: WDFY3 is on the minus strand). VCF-style: chr4-84810112-T-G. GRCh37 (hg19) VCF-style: chr4-85731265-T-G.
Other names: short protein forms K707T.
Identifiers: ClinVar variation 4634625 (VCV004634625.1).
Genomic context (GRCh38, chr4:84,810,112, plus strand): 5'-TCTGAGAAGCAGCCAAGAAATCGAACAGCATCTGCCAACTTCTCATACTGAATCTCTGTT[T>G]TGAAGAAATGAGAGTTGGCTGGCTCATAGCGCATTGCTGCAGTCAACGTGCAGAACACAG-3'
Protein context (NP_055806.2, residues 697-717): RYEPANSHFF[Lys707Thr]TEIQYEKLAD

ClinVar aggregate classification (germline): Uncertain significance (1 of 4 stars; one submission).

Conditions:
Inborn genetic diseases. Identifiers: MedGen C0950123, MeSH D030342.

gnomAD v4.1: 1 of 1,614,164 alleles (0.000062%); highest among the groups gnomAD compares: Non-Finnish European, 0.000085%; no homozygotes.

Submission:

Ambry Genetics
Classification: Uncertain significance for Inborn genetic diseases. Last evaluated: 2025-09-26. Review status: criteria provided, single submitter. Criteria: Ambry Variant Classification Scheme 2023. Collection method: clinical testing. Allele origin: germline.
Comment: The c.2120A>C (p.K707T) alteration is located in exon 14 (coding exon 11) of the WDFY3 gene. This alteration results from a A to C substitution at nucleotide position 2120, causing the lysine (K) at amino acid position 707 to be replaced by a threonine (T). Based on data from gnomAD, the C allele has an overall frequency of <0.001% (1/251114) total alleles studied. The highest observed frequency was 0.001% (1/113442) of European (non-Finnish) alleles. Based on insufficient or conflicting evidence, the clinical significance of this alteration remains unclear.